The following is an entry in ClinVar:

ClinVar aggregate classification (germline): Pathogenic/Likely pathogenic. Review status: criteria provided, multiple submitters, no conflicts (2 of 4 stars). 2 submissions from 2 submitters: Pathogenic (1); Likely pathogenic (1). Last evaluated 2024-11-02.

Conditions:
Autosomal recessive nonsyndromic hearing loss 3. Also called: NEUROSENSORY NONSYNDROMIC RECESSIVE DEAFNESS 3. Identifiers: Orphanet 90636, MedGen C1838263, MONDO:0010860, OMIM 600316.

Submissions (2):

ENT and Head and Neck Research Center and Department,  The Five Senses Health Institute, Iran University of Medical Sciences
Classification: Pathogenic for Autosomal recessive nonsyndromic hearing loss 3. Last evaluated: 2024-11-02. Review status: criteria provided, single submitter. Criteria: ClinGen HL ACMG Specifications v1. Collection method: clinical testing. Allele origin: germline. Affected: yes.
Comment: PVS1: Null variant (intronic within ±2 of splice site) in gene MYO15A. Loss-of-function is a known mechanism of disease (gene has 448 reported pathogenic LOF variants)., PM2: Variant not found in gnomAD genomes, good gnomAD genomes coverage = 32.0.Variant not found in gnomAD exomes, good gnomAD exomes coverage = 53.7., PP5: Combined evidence strength is Supporting (score = 1).Supporting: ClinVar classifies this variant as Likely Pathogenic, 1 star (reviewed Feb '24, 1 submission), citing 2 articles (26226137 and 17546645).

Labcorp Genetics (formerly Invitae), Labcorp
Classification: Likely pathogenic. Last evaluated: 2023-12-01. Review status: criteria provided, single submitter. Criteria: Invitae Variant Classification Sherloc (09022015). Collection method: clinical testing. Allele origin: germline.
Comment: This sequence change affects a donor splice site in intron 18 of the MYO15A gene. It is expected to disrupt RNA splicing. Variants that disrupt the donor or acceptor splice site typically lead to a loss of protein function (PMID: 16199547), and loss-of-function variants in MYO15A are known to be pathogenic (PMID: 17546645). This variant is not present in population databases (gnomAD no frequency). Disruption of this splice site has been observed in individual(s) with non-syndromic deafness (PMID: 26226137). Algorithms developed to predict the effect of sequence changes on RNA splicing suggest that this variant may disrupt the consensus splice site. In summary, the currently available evidence indicates that the variant is pathogenic, but additional data are needed to prove that conclusively. Therefore, this variant has been classified as Likely Pathogenic.

Literature cited by the submitters: DOI 10.1038/s41598-025-99417-7 (cited by ENT and Head and Neck Research Center and Department,  The Five Senses Health Institute, Iran University of Medical Sciences); PubMed 16199547 (cited by Labcorp Genetics (formerly Invitae), Labcorp); PubMed 17546645 (cited by Labcorp Genetics (formerly Invitae), Labcorp); PubMed 26226137 (cited by Labcorp Genetics (formerly Invitae), Labcorp).

NM_016239.4(MYO15A):c.5133+1G>A

Gene: MYO15A (myosin XVA; plus strand). Cytogenetic location: 17p11.2.
Variant type: single nucleotide variant.
Coding change: c.5133+1G>A on transcript NM_016239.4 (MANE Select); the canonical splice donor site of the intron after coding-DNA position 5133, G replaced by A.
Molecular consequence: splice donor variant.
Genome position (GRCh38, 1-based): chr17:18,138,937, G>A. VCF-style: chr17-18138937-G-A. GRCh37 (hg19) VCF-style: chr17-18042251-G-A.
Identifiers: ClinVar variation 2736470 (VCV002736470.4), dbSNP rs2545247575, ClinGen allele CA398598681.